The following is an entry in ClinVar:

NM_000551.4(VHL):c.204dup (p.Arg69fs)

Gene: VHL (von Hippel-Lindau tumor suppressor; plus strand). Cytogenetic location: 3p25.3.
Variant type: Duplication.
Coding change: c.204dup on transcript NM_000551.4 (MANE Select); coding-DNA position 204, one base duplicated (G; older notation c.204dupG).
Protein change: p.Arg69fs; shifts the reading frame from arginine 69.
Molecular consequence: frameshift variant.
Genome position (GRCh38, 1-based): chr3:10,142,051, G duplicated. VCF-style (leftmost placement, unchanged base first): chr3-10142050-C-CG. GRCh37 (hg19) VCF-style: chr3-10183734-C-CG.
Other names: c.204dupG (NM_000551.3); c.204dup, p.Arg69fs (NM_001354723.2, NM_198156.3); short protein forms R69fs.
Identifiers: ClinVar variation 1785035 (VCV001785035.5), dbSNP rs2470158072, ClinGen allele CA913189244.
Genomic context (GRCh38, chr3:10,142,050, plus strand): 5'-TGGGCGCCGAGGAGGAGATGGAGGCCGGGCGGCCGCGGCCCGTGCTGCGCTCGGTGAACT[C>CG]GCGCGAGCCCTCCCAGGTCATCTTCTGCAATCGCAGTCCGCGCGTCGTGCTGCCCGTATG-3'

ClinVar aggregate classification (germline): Pathogenic. Review status: criteria provided, multiple submitters, no conflicts (2 of 4 stars). 2 submissions from 2 submitters: Pathogenic (2). Last evaluated 2023-06-27.

Conditions:
Chuvash polycythemia. Also called: POLYCYTHEMIA, VHL-DEPENDENT. Identifiers: Orphanet 238557, MedGen C1837915, MONDO:0009892, OMIM 263400.
Von Hippel-Lindau syndrome (VHLS). Also called: Von Hippel-Lindau; von Hippel–Lindau syndrome; VHL syndrome. Identifiers: Orphanet 892, MedGen C0019562, MONDO:0008667, OMIM 193300. Disease mechanism: loss of function.
Hereditary cancer-predisposing syndrome. Also called: Tumor predisposition; Neoplastic Syndromes, Hereditary; Hereditary Cancer Syndrome; Hereditary neoplastic syndrome. Identifiers: Orphanet 140162, MedGen C0027672, MeSH D009386, MONDO:0015356.

Submissions (2):

Labcorp Genetics (formerly Invitae), Labcorp
Classification: Pathogenic for Von Hippel-Lindau syndrome; Chuvash polycythemia. Last evaluated: 2023-06-27. Review status: criteria provided, single submitter. Criteria: Invitae Variant Classification Sherloc (09022015). Collection method: clinical testing. Allele origin: germline.
Comment: For these reasons, this variant has been classified as Pathogenic. ClinVar contains an entry for this variant (Variation ID: 1785035). This premature translational stop signal has been observed in individual(s) with von Hippel-Lindau syndrome (PMID: 15300849). This variant is not present in population databases (gnomAD no frequency). This sequence change creates a premature translational stop signal (p.Arg69Alafs*63) in the VHL gene. It is expected to result in an absent or disrupted protein product. Loss-of-function variants in VHL are known to be pathogenic (PMID: 8956040, 12202531).

Ambry Genetics
Classification: Pathogenic for Hereditary cancer-predisposing syndrome. Last evaluated: 2018-06-22. Review status: criteria provided, single submitter. Criteria: Ambry Variant Classification Scheme 2023. Collection method: clinical testing. Allele origin: germline.
Comment: The c.204dupG pathogenic mutation, located in coding exon 1 of the VHL gene, results from a duplication of G at nucleotide position 204, causing a translational frameshift with a predicted alternate stop codon (p.R69Afs*63). This alteration was identified in a VHL family with histories of renal cancer (Gallou C et al. Hum. Mutat., 2004 Sep;24:215-24). In addition to the clinical data presented in the literature, this alteration is expected to result in loss of function by premature protein truncation or nonsense-mediated mRNA decay. As such, this alteration is interpreted as a disease-causing mutation.

Literature cited by the submitters: PubMed 15300849 (cited by Labcorp Genetics (formerly Invitae), Labcorp and Ambry Genetics); PubMed 8956040 (cited by Labcorp Genetics (formerly Invitae), Labcorp); PubMed 12202531 (cited by Labcorp Genetics (formerly Invitae), Labcorp).